The following is an entry in ClinVar:

NM_001166412.2(SMOC2):c.974T>C (p.Val325Ala)

Gene: SMOC2 (SPARC related modular calcium binding 2; plus strand). Cytogenetic location: 6q27.
Variant type: single nucleotide variant.
Coding change: c.974T>C on transcript NM_001166412.2 (MANE Select); coding-DNA position 974, T replaced by C.
Protein change: p.Val325Ala; replaces valine 325 with alanine.
Molecular consequence: missense variant.
Genome position (GRCh38, 1-based): chr6:168,650,747, T>C. VCF-style: chr6-168650747-T-C. GRCh37 (hg19) VCF-style: chr6-169051427-T-C.
Other names: c.1007T>C, p.Val336Ala (NM_022138.3); short protein forms V325A, V336A.
Identifiers: ClinVar variation 4845553 (VCV004845553.1).

ClinVar aggregate classification (germline): Uncertain significance (1 of 4 stars; one submission).

gnomAD v4.1: 45 of 1,613,128 alleles (0.0028%); highest among the groups gnomAD compares: Non-Finnish European, 0.0036%; no homozygotes.

Submission:

Greenwood Genetic Center Diagnostic Laboratories, Greenwood Genetic Center
Classification: Uncertain significance. Last evaluated: 2025-12-22. Review status: criteria provided, single submitter. Criteria: ACMG Guidelines, 2015. Collection method: clinical testing. Allele origin: germline. Affected: yes.
Comment: PM2, BP4